The following is an entry in ClinVar:

ClinVar aggregate classification (germline): Pathogenic/Likely pathogenic. Review status: criteria provided, multiple submitters, no conflicts (2 of 4 stars). 3 submissions from 3 submitters: Pathogenic (1); Likely pathogenic (1). 1 of the submissions does not count toward it. Last evaluated 2023-06-05.

Conditions:
CHD4-related disorder. Also called: CHD4-related condition.

Allele frequency attached by ClinVar (database versions not stated): gnomAD exomes below 0.00001.
gnomAD v4.1: 1 of 1,614,062 alleles (0.000062%); highest among the groups gnomAD compares: Non-Finnish European, 0.000085%; no homozygotes.

Submissions (3):

GeneDx
Classification: Likely pathogenic. Last evaluated: 2023-06-05. Review status: criteria provided, single submitter. Criteria: GeneDx Variant Classification Process June 2021. Collection method: clinical testing. Allele origin: germline. Affected: yes.
Comment: Not observed in large population cohorts (gnomAD); In silico analysis supports that this missense variant has a deleterious effect on protein structure/function; Has not been previously published as pathogenic or benign to our knowledge

Labcorp Genetics (formerly Invitae), Labcorp
Classification: Pathogenic. Last evaluated: 2023-03-08. Review status: criteria provided, single submitter. Criteria: Invitae Variant Classification Sherloc (09022015). Collection method: clinical testing. Allele origin: germline.
Comment: ClinVar contains an entry for this variant (Variation ID: 1510663). For these reasons, this variant has been classified as Pathogenic. Advanced modeling of protein sequence and biophysical properties (such as structural, functional, and spatial information, amino acid conservation, physicochemical variation, residue mobility, and thermodynamic stability) performed at Invitae indicates that this missense variant is expected to disrupt CHD4 protein function. This missense change has been observed in individual(s) with clinical features of CHD4-related conditions (Invitae). In at least one individual the variant was observed to be de novo. This variant is not present in population databases (gnomAD no frequency). This sequence change replaces isoleucine, which is neutral and non-polar, with threonine, which is neutral and polar, at codon 1109 of the CHD4 protein (p.Ile1109Thr).

PreventionGenetics, part of Exact Sciences
Classification: Uncertain significance for CHD4-related condition. Last evaluated: 2024-02-16. Review status: no assertion criteria provided. Collection method: clinical testing. Allele origin: germline. Not counted in ClinVar's aggregate classification.
Comment: The CHD4 c.3326T>C variant is predicted to result in the amino acid substitution p.Ile1109Thr. To our knowledge, this variant has not been reported in the literature or in a large population database, indicating this variant is rare. At this time, the clinical significance of this variant is uncertain due to the absence of conclusive functional and genetic evidence.

NM_001273.5(CHD4):c.3326T>C (p.Ile1109Thr)

Gene: CHD4 (chromodomain helicase DNA binding protein 4; minus strand). Cytogenetic location: 12p13.31.
Variant type: single nucleotide variant.
Coding change: c.3326T>C on transcript NM_001273.5 (MANE Select); coding-DNA position 3326, T replaced by C.
Protein change: p.Ile1109Thr; replaces isoleucine 1109 with threonine.
Molecular consequence: missense variant.
Genome position (GRCh38, 1-based): chr12:6,591,480, A>G on the plus strand (T>C on the coding strand, the complement: CHD4 is on the minus strand). VCF-style: chr12-6591480-A-G. GRCh37 (hg19) VCF-style: chr12-6700646-A-G.
Other names: c.3326T>C (NM_001273.3, NM_001273.2); c.3305T>C, p.Ile1102Thr (NM_001297553.2); c.3287T>C, p.Ile1096Thr (NM_001363606.2); short protein forms I1096T, I1102T, I1109T.
Identifiers: ClinVar variation 1510663 (VCV001510663.8), dbSNP rs2136213384, ClinGen allele CA383584904.